The following is an entry in ClinVar:

ClinVar aggregate classification (germline): Conflicting classifications of pathogenicity. Review status: criteria provided, conflicting classifications (1 of 4 stars). 3 submissions from 3 submitters: Likely pathogenic (1); Uncertain significance (2). Last evaluated 2025-01-09.

Conditions:
Hereditary cancer-predisposing syndrome. Also called: Neoplastic Syndromes, Hereditary; Tumor predisposition; Hereditary Cancer Syndrome; Hereditary neoplastic syndrome. Identifiers: Orphanet 140162, MedGen C0027672, MeSH D009386, MONDO:0015356.

Submissions (3):

Molecular Diagnostics Laboratory, Catalan Institute of Oncology
Classification: Uncertain significance for Hereditary cancer-predisposing syndrome. Last evaluated: 2025-01-09. Review status: criteria provided, single submitter. Criteria: MMR VCEP Paper Draft V3.1. Collection method: clinical testing. Allele origin: germline.
Comment: PM2_Supporting, PP3_Moderate c.2873A>G, located in exon 4 of the MSH6 gene, is predicted to result in the substitution of glutamine by arginine at codon 958, p.(Gln958Arg). It is not present in the population database gnomAD v2.1.1, non-cancer dataset (PM2_supporting). Computational tools predict a deleterious effect of the variant on protein function (MAPP+PolyPhen-2 prior probability for pathogenicity: 0.911) (PP3_Moderate). To our knowledge, neither relevant clinical data nor well-established functional studies have been reported for this variant. This variant has been reported in the ClinVar database (1x likely pathogenic, 1x uncertain significance), and has not been reported in the LOVD nor classified by InSiGHT. Based on currently available information, the variant c.2873A>G should be considered an uncertain significance variant according to MMR specific InSIGHT Guidelines, Draft v3.1.

Ambry Genetics
Classification: Likely pathogenic for Hereditary cancer-predisposing syndrome. Last evaluated: 2024-12-21. Review status: criteria provided, single submitter. Criteria: Ambry Variant Classification Scheme 2023. Collection method: clinical testing. Allele origin: germline.
Comment: The p.Q958R variant (also known as c.2873A>G), located in coding exon 4 of the MSH6 gene, results from an A to G substitution at nucleotide position 2873. The glutamine at codon 958 is replaced by arginine, an amino acid with highly similar properties. This variant has been identified in multiple probands whose Lynch syndrome-associated tumors demonstrated high microsatellite instability and loss of MSH6 expression by immunohistochemistry (Ambry internal data). This variant is considered to be rare based on population cohorts in the Genome Aggregation Database (gnomAD). This amino acid position is highly conserved in available vertebrate species. In addition, this alteration is predicted to be deleterious by in silico analysis. Based on the majority of available evidence to date, this variant is likely to be pathogenic.

Color Diagnostics, LLC DBA Color Health
Classification: Uncertain significance for Hereditary cancer-predisposing syndrome. Last evaluated: 2019-11-07. Review status: criteria provided, single submitter. Criteria: ACMG Guidelines, 2015. Collection method: clinical testing. Allele origin: germline.
Comment: This missense variant replaces glutamine with arginine at codon 958 of the MSH6 protein. Computational prediction tool suggests that this variant may have deleterious impact on protein structure and function (internally defined REVEL score threshold ≥0.7, PMID: 27666373). Splice site prediction tools suggest that this variant may not impact RNA splicing. To our knowledge, functional studies have not been performed for this variant. This variant has not been reported in individuals affected with hereditary cancer in the literature. This variant has not been identified in the general population by the Genome Aggregation Database (gnomAD). The available evidence is insufficient to determine the role of this variant in disease conclusively. Therefore, this variant is classified as a Variant of Uncertain Significance.

NM_000179.3(MSH6):c.2873A>G (p.Gln958Arg)

Gene: MSH6 (mutS homolog 6; plus strand). Cytogenetic location: 2p16.3.
Variant type: single nucleotide variant.
Coding change: c.2873A>G on transcript NM_000179.3 (MANE Select); coding-DNA position 2873, A replaced by G.
Protein change: p.Gln958Arg; replaces glutamine 958 with arginine.
Molecular consequence: missense variant.
Genome position (GRCh38, 1-based): chr2:47,800,856, A>G. VCF-style: chr2-47800856-A-G. GRCh37 (hg19) VCF-style: chr2-48027995-A-G.
Other names: c.2483A>G, p.Gln828Arg (NM_001281492.2); c.1967A>G, p.Gln656Arg (NM_001281493.2, NM_001281494.2); short protein forms Q958R, Q828R, Q656R.
Identifiers: ClinVar variation 233089 (VCV000233089.11), dbSNP rs876660185, ClinGen allele CA10578123.
Genomic context (GRCh38, chr2:47,800,856, plus strand): 5'-ACCAAGCTCTTGCTGACATAAGAGAAAATGAACAGAGCCTCCTGGAATACCTAGAGAAAC[A>G]GCGCAACAGAATTGGCTGTAGGACCATAGTCTATTGGGGGATTGGTAGGAACCGTTACCA-3'
Protein context (NP_000170.1, residues 948-968): EQSLLEYLEK[Gln958Arg]RNRIGCRTIV